The following is an entry in ClinVar:

NM_001008537.3(NEXMIF):c.2041G>A (p.Gly681Ser)

Gene: NEXMIF (neurite extension and migration factor; minus strand). Cytogenetic location: Xq13.3.
Variant type: single nucleotide variant.
Coding change: c.2041G>A on transcript NM_001008537.3 (MANE Select); coding-DNA position 2041, G replaced by A.
Protein change: p.Gly681Ser; replaces glycine 681 with serine.
Molecular consequence: missense variant.
Genome position (GRCh38, 1-based): chrX:74,742,516, C>T on the plus strand (G>A on the coding strand, the complement: NEXMIF is on the minus strand). VCF-style: chrX-74742516-C-T. GRCh37 (hg19) VCF-style: chrX-73962351-C-T.
Other names: short protein forms G681S.
Identifiers: ClinVar variation 1402889 (VCV001402889.7), dbSNP rs775140424, ClinGen allele CA10455080.

ClinVar aggregate classification (germline): Uncertain significance. Review status: criteria provided, multiple submitters, no conflicts (2 of 4 stars). 2 submissions from 2 submitters: Uncertain significance (2). Last evaluated 2025-12-01.

Allele frequency attached by ClinVar (database versions not stated): gnomAD 0.00001; gnomAD exomes 0.00001 and 0.00002; TOPMed 0.00001; ExAC 0.00004.
gnomAD v4.1: 13 of 1,208,160 alleles (0.0011%); highest among the groups gnomAD compares: Admixed American, 0.0088%; no homozygotes.

Submissions (2):

Labcorp Genetics (formerly Invitae), Labcorp
Classification: Uncertain significance. Last evaluated: 2025-12-01. Review status: criteria provided, single submitter. Criteria: Invitae Variant Classification Sherloc (09022015). Collection method: clinical testing. Allele origin: germline.
Comment: This sequence change replaces glycine, which is neutral and non-polar, with serine, which is neutral and polar, at codon 681 of the NEXMIF protein (p.Gly681Ser). This variant is present in population databases (rs775140424, gnomAD 0.01%). This variant has not been reported in the literature in individuals affected with NEXMIF-related conditions. ClinVar contains an entry for this variant (Variation ID: 1402889). An algorithm developed to predict the effect of missense changes on protein structure and function (PolyPhen-2) suggests that this variant is likely to be tolerated. In summary, the available evidence is currently insufficient to determine the role of this variant in disease. Therefore, it has been classified as a Variant of Uncertain Significance.

GeneDx
Classification: Uncertain significance. Last evaluated: 2022-10-12. Review status: criteria provided, single submitter. Criteria: GeneDx Variant Classification Process June 2021. Collection method: clinical testing. Allele origin: germline. Affected: yes.
Comment: In silico analysis supports that this missense variant does not alter protein structure/function; Has not been previously published as pathogenic or benign to our knowledge; This variant is associated with the following publications: (PMID: 27535533)